The following is an entry in ClinVar:

ClinVar aggregate classification (germline): Likely benign. Review status: reviewed by expert panel (3 of 4 stars). 4 submissions from 4 submitters: Likely benign (1). 3 of the submissions do not count toward it. Last evaluated 2017-06-29.

Conditions:
Hereditary cancer-predisposing syndrome. Also called: Hereditary Cancer Syndrome; Hereditary neoplastic syndrome; Neoplastic Syndromes, Hereditary; Tumor predisposition. Identifiers: Orphanet 140162, MedGen C0027672, MeSH D009386, MONDO:0015356.
Breast-ovarian cancer, familial, susceptibility to, 1 (BROVCA1). Also called: BRCA1 Hereditary Breast and Ovarian Cancer; OVARIAN CANCER, SUSCEPTIBILITY TO. Identifiers: Orphanet 145, MedGen C2676676, MONDO:0011450, OMIM 604370. Disease mechanism: loss of function.
Hereditary breast ovarian cancer syndrome. Also called: BRCA1- and BRCA2-Associated Hereditary Breast and Ovarian Cancer; Hereditary breast and ovarian cancer syndrome; Hereditary breast and ovarian cancer syndrome (HBOC); Breast and ovarian cancer; Hereditary breast and/or ovarian cancer syndrome; Hereditary breast and ovarian cancer. Identifiers: Orphanet 145, MedGen C0677776, MeSH D061325, MONDO:0003582. Disease mechanism: loss of function.

Submissions (4):

Evidence-based Network for the Interpretation of Germline Mutant Alleles (ENIGMA)
Classification: Likely benign for Breast-ovarian cancer, familial, susceptibility to, 1. Last evaluated: 2017-06-29. Review status: reviewed by expert panel. Criteria: ENIGMA BRCA1/2 Classification Criteria (2017-06-29). Collection method: curation. Allele origin: germline.
Comment: Synonymous substitution variant, with low bioinformatic likelihood to result in a splicing aberration (Splicing prior probability 0.02).

Labcorp Genetics (formerly Invitae), Labcorp
Classification: Likely benign for Hereditary breast ovarian cancer syndrome. Last evaluated: 2024-03-14. Review status: criteria provided, single submitter. Criteria: Invitae Variant Classification Sherloc (09022015). Collection method: clinical testing. Allele origin: germline. Not counted in ClinVar's aggregate classification.

Ambry Genetics
Classification: Likely benign for Hereditary cancer-predisposing syndrome. Last evaluated: 2016-12-21. Review status: criteria provided, single submitter. Criteria: Ambry Variant Classification Scheme 2023. Collection method: clinical testing. Allele origin: germline. Not counted in ClinVar's aggregate classification.

Breast Cancer Information Core (BIC) (BRCA1)
Classification: Uncertain significance for Breast-ovarian cancer, familial 1. Last evaluated: 2010-09-18. Review status: no assertion criteria provided. Collection method: clinical testing. Allele origin: germline. Affected: yes. Observed: 1 variant allele. Not counted in ClinVar's aggregate classification.

Literature cited by the submitters: PubMed 18627636 (cited by Ambry Genetics).

NM_007294.4(BRCA1):c.372C>A (p.Ile124=)

Gene: BRCA1 (BRCA1 DNA repair associated; minus strand). Cytogenetic location: 17q21.31.
Variant type: single nucleotide variant.
Coding change: c.372C>A on transcript NM_007294.4 (MANE Select); coding-DNA position 372, C replaced by A.
Protein change: p.Ile124=; no amino-acid change (isoleucine 124 retained).
Molecular consequence: synonymous variant. On other transcripts: 5 prime UTR variant (7), intron variant (2).
Genome position (GRCh38, 1-based): chr17:43,104,191, G>T on the plus strand (C>A on the coding strand, the complement: BRCA1 is on the minus strand). VCF-style: chr17-43104191-G-T. GRCh37 (hg19) VCF-style: chr17-41256208-G-T.
Other names: 491C>A; c.372C>A, p.Ile124= (NM_001407939.1, NM_001407940.1, NM_001407941.1 and 165 more transcripts); c.162C>A, p.Ile54= (NM_001407571.1, NM_001407946.1, NM_001407947.1 and 58 more transcripts); c.231C>A, p.Ile77= (NM_001407942.1, NM_001407943.1, NM_001407944.1 and 99 more transcripts); c.-10C>A (NM_001407959.1, NM_001407960.1, NM_001407962.1 and 4 more transcripts); c.363C>A, p.Ile121= (NM_001407646.1, NM_001407647.1, NM_001408408.1); c.294C>A, p.Ile98= (NM_001407653.1, NM_001407654.1, NM_001407655.1 and 21 more transcripts); c.240C>A, p.Ile80= (NM_001408451.1); and 1 more.
Identifiers: ClinVar variation 54983 (VCV000054983.16), dbSNP rs273900715, ClinGen allele CA002393.
Genomic context (GRCh38, chr17:43,104,191, plus strand): 5'-ATTTTCGGGTTCACTCTGTAGAAGTCTTTTGGCACGGTTTCTGTAGCCCATACTTTGGAT[G>T]ATAGAAACTTCATCTTTTAGATGTTCAGGAGAGTTATTTTCCTTTTTTGCAAAATTATAG-3'
Protein context (NP_009225.1, residues 114-134): SPEHLKDEVS[Ile124=]IQSMGYRNRA